The following is an entry in ClinVar:

NM_001172509.2(SATB2):c.1003A>G (p.Ile335Val)

Gene: SATB2 (SATB homeobox 2; minus strand). Cytogenetic location: 2q33.1.
Variant type: single nucleotide variant.
Coding change: c.1003A>G on transcript NM_001172509.2 (MANE Select); coding-DNA position 1003, A replaced by G.
Protein change: p.Ile335Val; replaces isoleucine 335 with valine.
Molecular consequence: missense variant.
Genome position (GRCh38, 1-based): chr2:199,348,871, T>C on the plus strand (A>G on the coding strand, the complement: SATB2 is on the minus strand). VCF-style: chr2-199348871-T-C. GRCh37 (hg19) VCF-style: chr2-200213594-T-C.
Other names: c.1003A>G, p.Ile335Val (NM_001172517.1, NM_015265.4); short protein forms I335V.
Identifiers: ClinVar variation 3005174 (VCV003005174.3), dbSNP rs2468896738, ClinGen allele CA350387602.

ClinVar aggregate classification (germline): Uncertain significance (1 of 4 stars; one submission).

Conditions:
Chromosome 2q32-q33 deletion syndrome (GLASS). Also called: Glass syndrome; 2q33.1 deletion syndrome. Identifiers: Orphanet 251019, MedGen C2676739, MONDO:0012864, OMIM 612313.

Allele frequency attached by ClinVar (database versions not stated): gnomAD exomes below 0.00001.
gnomAD v4.1: 2 of 1,614,140 alleles (0.00012%); highest among the groups gnomAD compares: Non-Finnish European, 0.00017%; no homozygotes.

Submission:

Labcorp Genetics (formerly Invitae), Labcorp
Classification: Uncertain significance for Chromosome 2q32-q33 deletion syndrome. Last evaluated: 2025-02-10. Review status: criteria provided, single submitter. Criteria: Invitae Variant Classification Sherloc (09022015). Collection method: clinical testing. Allele origin: germline.
Comment: This sequence change replaces isoleucine, which is neutral and non-polar, with valine, which is neutral and non-polar, at codon 335 of the SATB2 protein (p.Ile335Val). This variant is not present in population databases (gnomAD no frequency). This variant has not been reported in the literature in individuals affected with SATB2-related conditions. ClinVar contains an entry for this variant (Variation ID: 3005174). Invitae Evidence Modeling of protein sequence and biophysical properties (such as structural, functional, and spatial information, amino acid conservation, physicochemical variation, residue mobility, and thermodynamic stability) indicates that this missense variant is not expected to disrupt SATB2 protein function with a negative predictive value of 80%. In summary, the available evidence is currently insufficient to determine the role of this variant in disease. Therefore, it has been classified as a Variant of Uncertain Significance.